The following is an entry in ClinVar:

NM_000536.4(RAG2):c.830A>G (p.Tyr277Cys)

Gene: RAG2 (recombination activating 2; minus strand). Cytogenetic location: 11p12.
Variant type: single nucleotide variant.
Coding change: c.830A>G on transcript NM_000536.4 (MANE Select); coding-DNA position 830, A replaced by G.
Protein change: p.Tyr277Cys; replaces tyrosine 277 with cysteine.
Molecular consequence: missense variant.
Genome position (GRCh38, 1-based): chr11:36,593,339, T>C on the plus strand (A>G on the coding strand, the complement: RAG2 is on the minus strand). VCF-style: chr11-36593339-T-C. GRCh37 (hg19) VCF-style: chr11-36614889-T-C.
Other names: c.830A>G, p.Tyr277Cys (NM_001243785.2, NM_001243786.2); short protein forms Y277C.
Identifiers: ClinVar variation 639778 (VCV000639778.6), dbSNP rs772880437, ClinGen allele CA5950517.
Genomic context (GRCh38, chr11:36,593,339, plus strand): 5'-ATCTTGTTGTCCTCTAAAGAGATGATGTTGCAGATCATTCTTTTTTGATTTTCAAGCTGA[T>C]AGCCACCAACAATAACAAATTCATCATTGTTAGTTTGAGTCAGGATTGCACTGGAGACAG-3'
Protein context (NP_000527.2, residues 267-287): NNDEFVIVGG[Tyr277Cys]QLENQKRMIC

ClinVar aggregate classification (germline): Uncertain significance (1 of 4 stars; one submission).

Conditions:
Combined immunodeficiency with skin granulomas. Identifiers: Orphanet 157949, MedGen C2673536, MONDO:0009306, OMIM 233650.
Severe combined immunodeficiency, autosomal recessive, T cell-negative, B cell-negative, NK cell-positive. Also called: Severe combined immunodeficiency due to complete RAG1/2 deficiency; SCID, T CELL-NEGATIVE, B CELL-NEGATIVE, NK CELL-POSITIVE; SCID, AR, T-cell negative, B-cell negative, NK cell-positive. Identifiers: Orphanet 331206, MedGen C1832322, MONDO:0011086, OMIM 601457.

Allele frequency attached by ClinVar (database versions not stated): gnomAD exomes below 0.00001; ExAC 0.00001.
gnomAD v4.1: 1 of 1,614,100 alleles (0.000062%); highest among the groups gnomAD compares: Non-Finnish European, 0.000085%; no homozygotes.

Submission:

Labcorp Genetics (formerly Invitae), Labcorp
Classification: Uncertain significance for Combined immunodeficiency with skin granulomas; Severe combined immunodeficiency, autosomal recessive, T cell-negative, B cell-negative, NK cell-positive. Last evaluated: 2021-09-01. Review status: criteria provided, single submitter. Criteria: Invitae Variant Classification Sherloc (09022015). Collection method: clinical testing. Allele origin: germline.
Comment: This sequence change replaces tyrosine with cysteine at codon 277 of the RAG2 protein (p.Tyr277Cys). The tyrosine residue is highly conserved and there is a large physicochemical difference between tyrosine and cysteine. This variant is present in population databases (rs772880437, ExAC 0.001%). This variant has not been reported in the literature in individuals affected with RAG2-related conditions. Algorithms developed to predict the effect of missense changes on protein structure and function are either unavailable or do not agree on the potential impact of this missense change (SIFT: "Deleterious"; PolyPhen-2: "Probably Damaging"; Align-GVGD: "Class C0"). In summary, the available evidence is currently insufficient to determine the role of this variant in disease. Therefore, it has been classified as a Variant of Uncertain Significance.